The following is an entry in ClinVar:

ClinVar aggregate classification (germline): Uncertain significance. Review status: criteria provided, multiple submitters, no conflicts (2 of 4 stars). 2 submissions from 2 submitters: Uncertain significance (2). Last evaluated 2024-08-23.

Conditions:
Primary ciliary dyskinesia. Also called: Ciliary dyskinesia. Identifiers: Orphanet 244, MedGen C0008780, MONDO:0016575, HP:0012265.

Allele frequency attached by ClinVar (database versions not stated): TOPMed below 0.00001; gnomAD 0.00001; gnomAD exomes 0.00001.
gnomAD v4.1: 5 of 1,545,934 alleles (0.00032%); highest among the groups gnomAD compares: Admixed American, 0.0098%; no homozygotes.

Submissions (2):

Labcorp Genetics (formerly Invitae), Labcorp
Classification: Uncertain significance for Primary ciliary dyskinesia. Last evaluated: 2024-08-23. Review status: criteria provided, single submitter. Criteria: Invitae Variant Classification Sherloc (09022015). Collection method: clinical testing. Allele origin: germline.
Comment: This sequence change replaces alanine, which is neutral and non-polar, with glycine, which is neutral and non-polar, at codon 100 of the DNAAF2 protein (p.Ala100Gly). This variant is present in population databases (no rsID available, gnomAD 0.008%). This variant has not been reported in the literature in individuals affected with DNAAF2-related conditions. ClinVar contains an entry for this variant (Variation ID: 968143). Invitae Evidence Modeling of protein sequence and biophysical properties (such as structural, functional, and spatial information, amino acid conservation, physicochemical variation, residue mobility, and thermodynamic stability) indicates that this missense variant is expected to disrupt DNAAF2 protein function with a positive predictive value of 80%. In summary, the available evidence is currently insufficient to determine the role of this variant in disease. Therefore, it has been classified as a Variant of Uncertain Significance.

Ambry Genetics
Classification: Uncertain significance for Primary ciliary dyskinesia. Last evaluated: 2021-07-22. Review status: criteria provided, single submitter. Criteria: Ambry Variant Classification Scheme 2023. Collection method: clinical testing. Allele origin: germline.
Comment: The p.A100G variant (also known as c.299C>G), located in coding exon 1 of the DNAAF2 gene, results from a C to G substitution at nucleotide position 299. The alanine at codon 100 is replaced by glycine, an amino acid with similar properties. This amino acid position is conserved. In addition, this alteration is predicted to be tolerated by in silico analysis. Since supporting evidence is limited at this time, the clinical significance of this alteration remains unclear.

NM_018139.3(DNAAF2):c.299C>G (p.Ala100Gly)

Gene: DNAAF2 (dynein axonemal assembly factor 2; minus strand). Cytogenetic location: 14q21.3.
Variant type: single nucleotide variant.
Coding change: c.299C>G on transcript NM_018139.3 (MANE Select); coding-DNA position 299, C replaced by G.
Protein change: p.Ala100Gly; replaces alanine 100 with glycine.
Molecular consequence: missense variant.
Genome position (GRCh38, 1-based): chr14:49,634,851, G>C on the plus strand (C>G on the coding strand, the complement: DNAAF2 is on the minus strand). VCF-style: chr14-49634851-G-C. GRCh37 (hg19) VCF-style: chr14-50101569-G-C.
Other names: c.299C>G, p.Ala100Gly (NM_001083908.2); short protein forms A100G.
Identifiers: ClinVar variation 968143 (VCV000968143.12), dbSNP rs1246371500, ClinGen allele CA389632135.